The following is an entry in ClinVar:

NM_032119.4(ADGRV1):c.16979_16980del (p.Thr5660fs)

Gene: ADGRV1 (adhesion G protein-coupled receptor V1; plus strand). Cytogenetic location: 5q14.3.
Variant type: Microsatellite.
Coding change: c.16979_16980del on transcript NM_032119.4 (MANE Select); coding-DNA positions 16979 to 16980, 2 bases deleted (CA; older notation c.16979_16980delCA).
Protein change: p.Thr5660fs; shifts the reading frame from threonine 5660.
Molecular consequence: frameshift variant. On other transcripts: non-coding transcript variant (1).
Genome position (GRCh38, 1-based): chr5:90,840,945-90,840,946, CA deleted; deleting any 2 consecutive bases within chr5:90,840,942-90,840,946 gives the same sequence; the c. name uses the placement nearest the transcript's 3' end. VCF-style (leftmost placement, unchanged base first): chr5-90840941-AAC-A. GRCh37 (hg19) VCF-style: chr5-90136758-AAC-A.
Other names: short protein forms T5660fs.
Identifiers: ClinVar variation 2633344 (VCV002633344.1), dbSNP rs2532442502, ClinGen allele CA2695198698.
Genomic context (GRCh38, chr5:90,840,941, plus strand): 5'-GTGAATGATGATATTCTCAACAGAGTGCTCCATACCATCAGCATGAAAGTGGCCACAGAA[AAC>A]ACAGATGAACAACTCAGTGCCATGATGCATTTAATAGAAAAGGTAAGTTTTTGTGAATAT-3'

ClinVar aggregate classification (germline): Likely pathogenic (1 of 4 stars; one submission).

Conditions:
ADGRV1-related disorder. Also called: ADGRV1-related condition; ADGRV1-related disorders.

Submission:

PreventionGenetics, part of Exact Sciences
Classification: Likely pathogenic for ADGRV1-related condition. Last evaluated: 2023-05-12. Review status: criteria provided, single submitter. Criteria: ACMG Guidelines, 2015. Collection method: clinical testing. Allele origin: germline.
Comment: The ADGRV1 c.16979_16980delCA variant is predicted to result in a frameshift and premature protein termination (p.Thr5660Argfs*2). To our knowledge, this variant has not been reported in the literature or in a large population database, indicating this variant is rare. Frameshift variants in ADGRV1 are expected to be pathogenic. This variant is interpreted as likely pathogenic.